The following is an entry in ClinVar:

NM_002528.7(NTHL1):c.827G>T (p.Gly276Val)

Gene: NTHL1 (nth like DNA glycosylase 1; minus strand). Cytogenetic location: 16p13.3.
Variant type: single nucleotide variant.
Coding change: c.827G>T on transcript NM_002528.7 (MANE Select); coding-DNA position 827, G replaced by T.
Protein change: p.Gly276Val; replaces glycine 276 with valine.
Molecular consequence: missense variant.
Genome position (GRCh38, 1-based): chr16:2,040,012, C>A on the plus strand (G>T on the coding strand, the complement: NTHL1 is on the minus strand). VCF-style: chr16-2040012-C-A. GRCh37 (hg19) VCF-style: chr16-2090013-C-A.
Other names: c.656G>T, p.Gly219Val (NM_001318193.2); c.497G>T, p.Gly166Val (NM_001318194.2); short protein forms G166V, G219V, G276V.
Identifiers: ClinVar variation 4861231 (VCV004861231.1).

ClinVar aggregate classification (germline): Uncertain significance (1 of 4 stars; one submission).

Conditions:
Hereditary cancer-predisposing syndrome. Also called: Neoplastic Syndromes, Hereditary; Tumor predisposition; Hereditary Cancer Syndrome; Hereditary neoplastic syndrome. Identifiers: Orphanet 140162, MedGen C0027672, MeSH D009386, MONDO:0015356.

Submission:

Ambry Genetics
Classification: Uncertain significance for Hereditary cancer-predisposing syndrome. Last evaluated: 2026-04-12. Review status: criteria provided, single submitter. Criteria: Ambry Variant Classification Scheme 2023. Collection method: clinical testing. Allele origin: germline.
Comment: The p.G284V variant (also known as c.851G>T), located in coding exon 6 of the NTHL1 gene, results from a G to T substitution at nucleotide position 851. The glycine at codon 284 is replaced by valine, an amino acid with dissimilar properties. This amino acid position is conserved. In addition, this alteration is predicted to be deleterious by in silico analysis. Based on the available evidence, the clinical significance of this variant remains unclear.